The following is an entry in ClinVar:

NM_000179.3(MSH6):c.1325T>A (p.Ile442Asn)

Gene: MSH6 (mutS homolog 6; plus strand). Cytogenetic location: 2p16.3.
Variant type: single nucleotide variant.
Coding change: c.1325T>A on transcript NM_000179.3 (MANE Select); coding-DNA position 1325, T replaced by A.
Protein change: p.Ile442Asn; replaces isoleucine 442 with asparagine.
Molecular consequence: missense variant.
Genome position (GRCh38, 1-based): chr2:47,799,308, T>A. VCF-style: chr2-47799308-T-A. GRCh37 (hg19) VCF-style: chr2-48026447-T-A.
Other names: c.935T>A, p.Ile312Asn (NM_001281492.2); c.419T>A, p.Ile140Asn (NM_001281493.2, NM_001281494.2); short protein forms I312N, I442N, I140N.
Identifiers: ClinVar variation 818936 (VCV000818936.13), dbSNP rs587779210, ClinGen allele CA346744472.

ClinVar aggregate classification (germline): Uncertain significance. Review status: criteria provided, multiple submitters, no conflicts (2 of 4 stars). 2 submissions from 2 submitters: Uncertain significance (2). Last evaluated 2025-10-09.

Conditions:
Hereditary nonpolyposis colorectal neoplasms. Identifiers: MedGen C0009405, MeSH D003123.
Hereditary cancer-predisposing syndrome. Also called: Tumor predisposition; Hereditary neoplastic syndrome; Neoplastic Syndromes, Hereditary; Hereditary Cancer Syndrome. Identifiers: Orphanet 140162, MedGen C0027672, MeSH D009386, MONDO:0015356.

Submissions (2):

Labcorp Genetics (formerly Invitae), Labcorp
Classification: Uncertain significance for Hereditary nonpolyposis colorectal neoplasms. Last evaluated: 2025-10-09. Review status: criteria provided, single submitter. Criteria: Invitae Variant Classification Sherloc (09022015). Collection method: clinical testing. Allele origin: germline.
Comment: This sequence change replaces isoleucine, which is neutral and non-polar, with asparagine, which is neutral and polar, at codon 442 of the MSH6 protein (p.Ile442Asn). This variant is not present in population databases (gnomAD no frequency). This variant has not been reported in the literature in individuals affected with MSH6-related conditions. ClinVar contains an entry for this variant (Variation ID: 818936). Invitae Evidence Modeling of protein sequence and biophysical properties (such as structural, functional, and spatial information, amino acid conservation, physicochemical variation, residue mobility, and thermodynamic stability) has been performed for this missense variant. However, the output from this modeling did not meet the statistical confidence thresholds required to predict the impact of this variant on MSH6 protein function. In summary, the available evidence is currently insufficient to determine the role of this variant in disease. Therefore, it has been classified as a Variant of Uncertain Significance.

Ambry Genetics
Classification: Uncertain significance for Hereditary cancer-predisposing syndrome. Last evaluated: 2018-05-31. Review status: criteria provided, single submitter. Criteria: Ambry Variant Classification Scheme 2023. Collection method: clinical testing. Allele origin: germline.
Comment: The p.I442N variant (also known as c.1325T>A), located in coding exon 4 of the MSH6 gene, results from a T to A substitution at nucleotide position 1325. The isoleucine at codon 442 is replaced by asparagine, an amino acid with dissimilar properties. This amino acid position is not well conserved in available vertebrate species. In addition, the in silico prediction for this alteration is inconclusive. In addition, the CoDP in silico tool predicts this alteration to have minor impact on molecular function, with a score of 0.174 (Terui H et al. J. Biomed. Sci. 2013 Apr;20:25). Since supporting evidence is limited at this time, the clinical significance of this alteration remains unclear.